The following is an entry in ClinVar:

ClinVar aggregate classification (germline): Uncertain significance (1 of 4 stars; one submission).

Submission:

Labcorp Genetics (formerly Invitae), Labcorp
Classification: Uncertain significance. Last evaluated: 2022-08-09. Review status: criteria provided, single submitter. Criteria: Invitae Variant Classification Sherloc (09022015). Collection method: clinical testing. Allele origin: germline.
Comment: In summary, the available evidence is currently insufficient to determine the role of this variant in disease. Therefore, it has been classified as a Variant of Uncertain Significance. Algorithms developed to predict the effect of missense changes on protein structure and function output the following: SIFT: "Tolerated"; PolyPhen-2: "Benign"; Align-GVGD: "Class C0". The serine amino acid residue is found in multiple mammalian species, which suggests that this missense change does not adversely affect protein function. This variant has not been reported in the literature in individuals affected with RP1-related conditions. This variant is not present in population databases (gnomAD no frequency). This sequence change replaces proline, which is neutral and non-polar, with serine, which is neutral and polar, at codon 23 of the RP1 protein (p.Pro23Ser).

NM_006269.2(RP1):c.67C>T (p.Pro23Ser)

Gene: RP1 (RP1 axonemal microtubule associated; plus strand). Cytogenetic location: 8q12.1.
Variant type: single nucleotide variant.
Coding change: c.67C>T on transcript NM_006269.2 (MANE Select); coding-DNA position 67, C replaced by T.
Protein change: p.Pro23Ser; replaces proline 23 with serine.
Molecular consequence: missense variant.
Genome position (GRCh38, 1-based): chr8:54,621,033, C>T. VCF-style: chr8-54621033-C-T. GRCh37 (hg19) VCF-style: chr8-55533593-C-T.
Other names: c.67C>T, p.Pro23Ser (NM_001375654.1); short protein forms P23S.
Identifiers: ClinVar variation 1715798 (VCV001715798.5), dbSNP rs2536555085, ClinGen allele CA370985362.
Genomic context (GRCh38, chr8:54,621,033, plus strand): 5'-GATACCCCTTCTACTGGTTTTTCCATCATTCATCCTACGTCTTCTGAAGGTCAAGTTCCA[C>T]CCCCTCGCCATTTGAGCCTCACTCATCCTGTTGTGGCCAAGCGAATCAGTTTCTACAAGA-3'
Protein context (NP_006260.1, residues 13-33): HPTSSEGQVP[Pro23Ser]PRHLSLTHPV